The following is an entry in ClinVar:

ClinVar aggregate classification (germline): Conflicting classifications of pathogenicity. Review status: criteria provided, conflicting classifications (1 of 4 stars). 2 submissions from 2 submitters: Uncertain significance (1); Likely benign (1). Last evaluated 2026-02-09.

Conditions:
Hereditary cancer-predisposing syndrome. Also called: Hereditary Cancer Syndrome; Neoplastic Syndromes, Hereditary; Tumor predisposition; Hereditary neoplastic syndrome. Identifiers: Orphanet 140162, MedGen C0027672, MeSH D009386, MONDO:0015356.
Fanconi anemia complementation group J. Also called: BRIP1-Related Fanconi Anemia. Identifiers: Orphanet 84, MedGen C1836860, MONDO:0012187, OMIM 609054.
Familial cancer of breast. Also called: BREAST CANCER, FAMILIAL; hereditary breast carcinoma; Hereditary breast cancer. Identifiers: Orphanet 227535, MedGen C0346153, MONDO:0016419, OMIM 114480. Disease mechanism: loss of function.

Allele frequency attached by ClinVar (database versions not stated): gnomAD exomes below 0.00001.
gnomAD v4.1: 1 of 1,614,086 alleles (0.000062%); highest among the groups gnomAD compares: Non-Finnish European, 0.000085%; no homozygotes.

Submissions (2):

Ambry Genetics
Classification: Likely benign for Hereditary cancer-predisposing syndrome. Last evaluated: 2026-02-09. Review status: criteria provided, single submitter. Criteria: Ambry Variant Classification Scheme 2023. Collection method: clinical testing. Allele origin: germline.

Labcorp Genetics (formerly Invitae), Labcorp
Classification: Uncertain significance for Familial cancer of breast; Fanconi anemia complementation group J. Last evaluated: 2020-02-20. Review status: criteria provided, single submitter. Criteria: Invitae Variant Classification Sherloc (09022015). Collection method: clinical testing. Allele origin: germline.
Comment: In summary, the available evidence is currently insufficient to determine the role of this variant in disease. Therefore, it has been classified as a Variant of Uncertain Significance. Algorithms developed to predict the effect of missense changes on protein structure and function output the following: SIFT: "Tolerated"; PolyPhen-2: "Benign"; Align-GVGD: "Class C0". The asparagine amino acid residue is found in multiple mammalian species, suggesting that this missense change does not adversely affect protein function. These predictions have not been confirmed by published functional studies and their clinical significance is uncertain. This variant has not been reported in the literature in individuals with BRIP1-related conditions. This variant is not present in population databases (ExAC no frequency). This sequence change replaces aspartic acid with asparagine at codon 99 of the BRIP1 protein (p.Asp99Asn). The aspartic acid residue is weakly conserved and there is a small physicochemical difference between aspartic acid and asparagine.

NM_032043.3(BRIP1):c.295G>A (p.Asp99Asn)

Gene: BRIP1 (BRCA1 interacting DNA helicase 1; minus strand). Cytogenetic location: 17q23.2.
Variant type: single nucleotide variant.
Coding change: c.295G>A on transcript NM_032043.3 (MANE Select); coding-DNA position 295, G replaced by A.
Protein change: p.Asp99Asn; replaces aspartic acid 99 with asparagine.
Molecular consequence: missense variant.
Genome position (GRCh38, 1-based): chr17:61,857,142, C>T on the plus strand (G>A on the coding strand, the complement: BRIP1 is on the minus strand). VCF-style: chr17-61857142-C-T. GRCh37 (hg19) VCF-style: chr17-59934503-C-T.
Other names: c.295G>A (NM_032043.2); short protein forms D99N.
Identifiers: ClinVar variation 1052171 (VCV001052171.11), dbSNP rs1603366321, ClinGen allele CA400485432.